The following is an entry in ClinVar:

ClinVar aggregate classification (germline): Conflicting classifications of pathogenicity. Review status: criteria provided, conflicting classifications (1 of 4 stars). 2 submissions from 2 submitters: Uncertain significance (1); Likely benign (1). Last evaluated 2025-01-07.

Conditions:
KBG syndrome (KBGS). Also called: ANKRD11-Related KBG Syndrome. Identifiers: Orphanet 2332, MedGen C0220687, MONDO:0007846, OMIM 148050.

Allele frequency attached by ClinVar (database versions not stated): TOPMed below 0.00001; gnomAD exomes 0.00004 and 0.00008; gnomAD 0.00005; ExAC 0.00010; 1000 Genomes Project 30x 0.00016; 1000 Genomes Project 0.00020.
gnomAD v4.1: 63 of 1,614,156 alleles (0.0039%); highest among the groups gnomAD compares: East Asian, 0.12%; no homozygotes.

Submissions (2):

Labcorp Genetics (formerly Invitae), Labcorp
Classification: Likely benign for KBG syndrome. Last evaluated: 2025-01-07. Review status: criteria provided, single submitter. Criteria: Invitae Variant Classification Sherloc (09022015). Collection method: clinical testing. Allele origin: germline.

Baylor Genetics
Classification: Uncertain significance for KBG syndrome. Last evaluated: 2018-03-20. Review status: criteria provided, single submitter. Criteria: ACMG Guidelines, 2015. Collection method: clinical testing. Allele origin: unknown. Affected: yes.
Comment: This variant was determined to be of uncertain significance according to ACMG Guidelines, 2015 [PMID:25741868].

NM_013275.6(ANKRD11):c.3953C>G (p.Thr1318Ser)

Gene: ANKRD11 (ankyrin repeat domain 11; minus strand). Cytogenetic location: 16q24.3.
Variant type: single nucleotide variant.
Coding change: c.3953C>G on transcript NM_013275.6 (MANE Select); coding-DNA position 3953, C replaced by G.
Protein change: p.Thr1318Ser; replaces threonine 1318 with serine.
Molecular consequence: missense variant.
Genome position (GRCh38, 1-based): chr16:89,282,589, G>C on the plus strand (C>G on the coding strand, the complement: ANKRD11 is on the minus strand). VCF-style: chr16-89282589-G-C. GRCh37 (hg19) VCF-style: chr16-89348997-G-C.
Other names: c.3953C>G, p.Thr1318Ser (NM_001256182.2, NM_001256183.2); short protein forms T1318S.
Identifiers: ClinVar variation 798243 (VCV000798243.10), dbSNP rs570483616, ClinGen allele CA8242245.
Genomic context (GRCh38, chr16:89,282,589, plus strand): 5'-GCGCTCTCCCTCGGCTTGTCGTCTCCAGGTGGCTCCGTGAAAGAGACCTCCAGGAAGGCA[G>C]TCAGCCCCGGCTCCTGCCCTCGGTCCGTGAAGCTGTCAGAGGAGACCTCGCTGATTTTAT-3'
Protein context (NP_037407.4, residues 1308-1328): FTDRGQEPGL[Thr1318Ser]AFLEVSFTEP